The following is an entry in ClinVar:

NM_000059.4(BRCA2):c.6486ACA[1] (p.Gln2164del)

Gene: BRCA2 (BRCA2 DNA repair associated; plus strand). Cytogenetic location: 13q13.1.
Variant type: Microsatellite.
Coding change: c.6486ACA[1] on transcript NM_000059.4 (MANE Select); one copy of the 3-base unit ACA starting at c.6486; the reference has two copies in a row; one copy, 3 bases deleted.
Protein change: p.Gln2164del; deletes glutamine 2164.
Molecular consequence: inframe deletion.
Genome position (GRCh38, 1-based): chr13:32,340,844-32,340,846, ACA deleted; deleting any 3 consecutive bases within chr13:32,340,840-32,340,846 gives the same sequence; the position shown is the placement nearest the transcript's 3' end. VCF-style (leftmost placement, unchanged base first): chr13-32340839-AAAC-A. GRCh37 (hg19) VCF-style: chr13-32914976-AAAC-A.
Other names: c.6489_6491delACA (NM_000059.3); short protein forms Q2164del.
Identifiers: ClinVar variation 646711 (VCV000646711.10), dbSNP rs1593908871, ClinGen allele CA915948508.

ClinVar aggregate classification (germline): Uncertain significance. Review status: criteria provided, multiple submitters, no conflicts (2 of 4 stars). 2 submissions from 2 submitters: Uncertain significance (2). Last evaluated 2023-05-24.

Conditions:
Hereditary cancer-predisposing syndrome. Also called: Hereditary Cancer Syndrome; Tumor predisposition; Hereditary neoplastic syndrome; Neoplastic Syndromes, Hereditary. Identifiers: Orphanet 140162, MedGen C0027672, MeSH D009386, MONDO:0015356.
Hereditary breast ovarian cancer syndrome. Also called: Hereditary breast and ovarian cancer; Hereditary breast and ovarian cancer syndrome; BRCA1- and BRCA2-Associated Hereditary Breast and Ovarian Cancer; Hereditary breast and ovarian cancer syndrome (HBOC); Breast and ovarian cancer; Hereditary breast and/or ovarian cancer syndrome. Identifiers: Orphanet 145, MedGen C0677776, MeSH D061325, MONDO:0003582. Disease mechanism: loss of function.

Submissions (2):

Ambry Genetics
Classification: Uncertain significance for Hereditary cancer-predisposing syndrome. Last evaluated: 2023-05-24. Review status: criteria provided, single submitter. Criteria: Ambry Variant Classification Scheme 2023. Collection method: clinical testing. Allele origin: germline.
Comment: The c.6489_6491delACA variant (also known as p.Q2164del) is located in coding exon 10 of the BRCA2 gene. This variant results from an in-frame ACA deletion at nucleotide positions 6489 to 6491. This results in the in-frame deletion of a glutamine at codon 2164. This amino acid position is not well conserved in available vertebrate species. In addition, this alteration is predicted to be neutral by in silico analysis (Choi Y et al. PLoS ONE. 2012; 7(10):e46688). Since supporting evidence is limited at this time, the clinical significance of this alteration remains unclear.

Labcorp Genetics (formerly Invitae), Labcorp
Classification: Uncertain significance for Hereditary breast ovarian cancer syndrome. Last evaluated: 2021-08-23. Review status: criteria provided, single submitter. Criteria: Invitae Variant Classification Sherloc (09022015). Collection method: clinical testing. Allele origin: germline.
Comment: In summary, the available evidence is currently insufficient to determine the role of this variant in disease. Therefore, it has been classified as a Variant of Uncertain Significance. Experimental studies and prediction algorithms are not available for this variant, and the functional significance of the deleted amino acid is currently unknown. This variant has not been reported in the literature in individuals with BRCA2-related disease. This variant is not present in population databases (ExAC no frequency). This variant, c.6489_6491delACA, results in the deletion of 1 amino acid of the BRCA2 protein (p.Gln2164del), but otherwise preserves the integrity of the reading frame.